The following is an entry in ClinVar:

ClinVar aggregate classification (germline): Pathogenic (1 of 4 stars; one submission).

Conditions:
Tuberous sclerosis 1 (TSC1). Identifiers: Orphanet 805, MedGen C1854465, MONDO:0008612, OMIM 191100.

Submission:

Labcorp Genetics (formerly Invitae), Labcorp
Classification: Pathogenic for Tuberous sclerosis 1. Last evaluated: 2021-04-27. Review status: criteria provided, single submitter. Criteria: Invitae Variant Classification Sherloc (09022015). Collection method: clinical testing. Allele origin: germline.
Comment: This variant has not been reported in the literature in individuals with TSC1-related conditions. Algorithms developed to predict the effect of sequence changes on RNA splicing suggest that this variant may create or strengthen a splice site, but this prediction has not been confirmed by published transcriptional studies. For these reasons, this variant has been classified as Pathogenic. This sequence change creates a premature translational stop signal (p.Lys148*) in the TSC1 gene. It is expected to result in an absent or disrupted protein product. Loss-of-function variants in TSC1 are known to be pathogenic (PMID: 10227394, 17304050). This variant is not present in population databases (ExAC no frequency).

Literature cited by the submitters: PubMed 10227394; PubMed 17304050.

NM_000368.5(TSC1):c.442A>T (p.Lys148Ter)

Gene: TSC1 (TSC complex subunit 1; minus strand). Cytogenetic location: 9q34.13.
Variant type: single nucleotide variant.
Coding change: c.442A>T on transcript NM_000368.5 (MANE Select); coding-DNA position 442, A replaced by T.
Protein change: p.Lys148Ter; replaces lysine 148 with a stop codon.
Molecular consequence: nonsense.
Genome position (GRCh38, 1-based): chr9:132,923,414, T>A on the plus strand (A>T on the coding strand, the complement: TSC1 is on the minus strand). VCF-style: chr9-132923414-T-A. GRCh37 (hg19) VCF-style: chr9-135798801-T-A.
Other names: c.442A>T, p.Lys148Ter (NM_001162426.2); c.289A>T, p.Lys97Ter (NM_001162427.2); c.79A>T, p.Lys27Ter (NM_001362177.2); short protein forms K148*, K27*, K97*.
Identifiers: ClinVar variation 1405657 (VCV001405657.6), dbSNP rs2132189676, ClinGen allele CA375373409.